The following is an entry in ClinVar:

ClinVar aggregate classification (germline): Uncertain significance (1 of 4 stars; one submission).

Conditions:
Cone-rod dystrophy 6 (CORD6). Also called: Cone dystrophy progressive; RETINAL CONE DYSTROPHY 2. Identifiers: Orphanet 1872, MedGen C1866293, MONDO:0011143, OMIM 601777.
Leber congenital amaurosis 1 (LCA1). Also called: RETINAL BLINDNESS, CONGENITAL; AMAUROSIS CONGENITA OF LEBER I; Congenital absence of the rods and cones; Leber's congenital tapetoretinal degeneration; Leber's congenital tapetoretinal dysplasia. Identifiers: Orphanet 65, MedGen C2931258, MONDO:0008764, OMIM 204000.

Allele frequency attached by ClinVar (database versions not stated): TOPMed below 0.00001; ExAC 0.00001.
gnomAD v4.1: 11 of 1,613,836 alleles (0.00068%); highest among the groups gnomAD compares: Non-Finnish European, 0.00085%; no homozygotes.

Submission:

Labcorp Genetics (formerly Invitae), Labcorp
Classification: Uncertain significance for Leber congenital amaurosis 1; Cone-rod dystrophy 6. Last evaluated: 2022-08-12. Review status: criteria provided, single submitter. Criteria: Invitae Variant Classification Sherloc (09022015). Collection method: clinical testing. Allele origin: germline.
Comment: This sequence change replaces glycine, which is neutral and non-polar, with cysteine, which is neutral and slightly polar, at codon 917 of the GUCY2D protein (p.Gly917Cys). This variant is present in population databases (rs61750178, gnomAD 0.0009%). This variant has not been reported in the literature in individuals affected with GUCY2D-related conditions. Algorithms developed to predict the effect of missense changes on protein structure and function (SIFT, PolyPhen-2, Align-GVGD) all suggest that this variant is likely to be disruptive. In summary, the available evidence is currently insufficient to determine the role of this variant in disease. Therefore, it has been classified as a Variant of Uncertain Significance.

NM_000180.4(GUCY2D):c.2749G>T (p.Gly917Cys)

Gene: GUCY2D (guanylate cyclase 2D, retinal; plus strand). Cytogenetic location: 17p13.1.
Variant type: single nucleotide variant.
Coding change: c.2749G>T on transcript NM_000180.4 (MANE Select); coding-DNA position 2749, G replaced by T.
Protein change: p.Gly917Cys; replaces glycine 917 with cysteine.
Molecular consequence: missense variant.
Genome position (GRCh38, 1-based): chr17:8,015,031, G>T. VCF-style: chr17-8015031-G-T. GRCh37 (hg19) VCF-style: chr17-7918349-G-T.
Other names: short protein forms G917C.
Identifiers: ClinVar variation 2160098 (VCV002160098.1), dbSNP rs61750178, ClinGen allele CA8366200.